The following is an entry in ClinVar:

ClinVar aggregate classification (germline): Uncertain significance (1 of 4 stars; one submission).

Conditions:
Hepatic veno-occlusive disease-immunodeficiency syndrome. Also called: Hepatic Veno-Occlusive Disease with Immunodeficiency. Identifiers: Orphanet 79124, MedGen C1856128, MONDO:0009338, OMIM 235550. Disease mechanism: loss of function.
Mycobacterium tuberculosis, susceptibility to. Identifiers: MedGen C1834752, OMIM 607948.

Allele frequency attached by ClinVar (database versions not stated): TOPMed below 0.00001; gnomAD 0.00001.
gnomAD v4.1: 1 of 1,613,934 alleles (0.000062%); highest among the groups gnomAD compares: Non-Finnish European, 0.000085%; no homozygotes.

Submission:

Labcorp Genetics (formerly Invitae), Labcorp
Classification: Uncertain significance for Hepatic veno-occlusive disease-immunodeficiency syndrome. Last evaluated: 2022-06-30. Review status: criteria provided, single submitter. Criteria: Invitae Variant Classification Sherloc (09022015). Collection method: clinical testing. Allele origin: germline.
Comment: This variant has not been reported in the literature in individuals affected with SP110-related conditions. In summary, the available evidence is currently insufficient to determine the role of this variant in disease. Therefore, it has been classified as a Variant of Uncertain Significance. Algorithms developed to predict the effect of missense changes on protein structure and function output the following: SIFT: "Deleterious"; PolyPhen-2: "Possibly Damaging"; Align-GVGD: "Class C0". The arginine amino acid residue is found in multiple mammalian species, which suggests that this missense change does not adversely affect protein function. ClinVar contains an entry for this variant (Variation ID: 585056). This variant is not present in population databases (gnomAD no frequency). This sequence change replaces serine, which is neutral and polar, with arginine, which is basic and polar, at codon 114 of the SP110 protein (p.Ser114Arg).

NM_080424.4(SP110):c.342C>A (p.Ser114Arg)

Genes: SP110 (SP110 nuclear body protein; minus strand), SP140 (SP140 nuclear body protein; plus strand). Cytogenetic location: 2q37.1.
Variant type: single nucleotide variant.
Coding change: c.342C>A on transcript NM_080424.4 (MANE Select); coding-DNA position 342, C replaced by A.
Protein change: p.Ser114Arg; replaces serine 114 with arginine.
Molecular consequence: missense variant.
Genome position (GRCh38, 1-based): chr2:230,213,002, G>T on the plus strand (C>A on the coding strand, the complement: SP110 is on the minus strand). VCF-style: chr2-230213002-G-T. GRCh37 (hg19) VCF-style: chr2-231077717-G-T.
Other names: c.360C>A, p.Ser120Arg (NM_001185015.2, NM_001378442.1, NM_001378444.1 and 2 more transcripts); c.342C>A, p.Ser114Arg (NM_001378443.1, NM_001378447.1, NM_004509.5 and 1 more transcripts); short protein forms S114R, S120R.
Identifiers: ClinVar variation 585056 (VCV000585056.6), dbSNP rs1559178549, ClinGen allele CA350918115.
Genomic context (GRCh38, chr2:230,213,002, plus strand): 5'-ATGGAGGGAGCTTCCTTCTGCTAGGCCAGTTGGGGCTTCAAGTAGGATTGGTGTGTCTCT[G>T]CTCTGCCATTCATAGGAAGCACCAACTGGGATTGGTGAAGGGACACACATCAGTACCCTG-3'
Protein context (NP_536349.3, residues 104-124): KRVGASYEWQ[Ser114Arg]RDTPILLEAP